The following is an entry in ClinVar:

NM_005141.5(FGB):c.476A>T (p.Gln159Leu)

Gene: FGB (fibrinogen beta chain; plus strand). Cytogenetic location: 4q31.3.
Variant type: single nucleotide variant.
Coding change: c.476A>T on transcript NM_005141.5 (MANE Select); coding-DNA position 476, A replaced by T.
Protein change: p.Gln159Leu; replaces glutamine 159 with leucine.
Molecular consequence: missense variant.
Genome position (GRCh38, 1-based): chr4:154,566,658, A>T. VCF-style: chr4-154566658-A-T. GRCh37 (hg19) VCF-style: chr4-155487810-A-T.
Other names: c.299A>T, p.Gln100Leu (NM_001184741.1); c.344A>T, p.Gln115Leu (NM_001382759.1); c.476A>T, p.Gln159Leu (NM_001382760.1, NM_001382761.1, NM_001382762.1 and 3 more transcripts); short protein forms Q100L, Q115L, Q159L.
Identifiers: ClinVar variation 4257005 (VCV004257005.2).

ClinVar aggregate classification (germline): Uncertain significance. Review status: criteria provided, multiple submitters, no conflicts (2 of 4 stars). 2 submissions from 2 submitters: Uncertain significance (2). Last evaluated 2025-11-23.

Conditions:
Inborn genetic diseases. Identifiers: MedGen C0950123, MeSH D030342.

gnomAD v4.1: 128 of 1,614,034 alleles (0.0079%); highest among the groups gnomAD compares: Non-Finnish European, 0.01%; no homozygotes.

Submissions (2):

Labcorp Genetics (formerly Invitae), Labcorp
Classification: Uncertain significance. Last evaluated: 2025-11-23. Review status: criteria provided, single submitter. Criteria: Invitae Variant Classification Sherloc (09022015). Collection method: clinical testing. Allele origin: germline.
Comment: This sequence change replaces glutamine, which is neutral and polar, with leucine, which is neutral and non-polar, at codon 159 of the FGB protein (p.Gln159Leu). This variant is present in population databases (rs199596249, gnomAD 0.01%). This variant has not been reported in the literature in individuals affected with FGB-related conditions. ClinVar contains an entry for this variant (Variation ID: 4257005). Invitae Evidence Modeling of protein sequence and biophysical properties (such as structural, functional, and spatial information, amino acid conservation, physicochemical variation, residue mobility, and thermodynamic stability) indicates that this missense variant is not expected to disrupt FGB protein function with a negative predictive value of 80%. In summary, the available evidence is currently insufficient to determine the role of this variant in disease. Therefore, it has been classified as a Variant of Uncertain Significance.

Ambry Genetics
Classification: Uncertain significance for Inborn genetic diseases. Last evaluated: 2025-06-29. Review status: criteria provided, single submitter. Criteria: Ambry Variant Classification Scheme 2023. Collection method: clinical testing. Allele origin: germline.